The following is an entry in ClinVar:

NM_007294.4(BRCA1):c.2090dup (p.Glu699fs)

Gene: BRCA1 (BRCA1 DNA repair associated; minus strand). Cytogenetic location: 17q21.31.
Variant type: Duplication.
Coding change: c.2090dup on transcript NM_007294.4 (MANE Select); coding-DNA position 2090, one base duplicated (T; older notation c.2090dupT).
Protein change: p.Glu699fs; shifts the reading frame from glutamic acid 699.
Molecular consequence: frameshift variant. On other transcripts: intron variant (137).
Genome position (GRCh38, 1-based): chr17:43,093,441, A duplicated on the plus strand (T on the coding strand, the reverse complement: BRCA1 is on the minus strand); the first of 3 consecutive A bases (chr17:43,093,441-43,093,443); duplicating any one gives the same sequence. VCF-style (leftmost placement, unchanged base first): chr17-43093440-G-GA. GRCh37 (hg19) VCF-style: chr17-41245457-G-GA.
Other names: 2209insT; c.2090dupT (NM_007294.3); c.2081dup, p.Glu696fs (NM_001407647.1, NM_001407646.1); c.1967dup, p.Glu658fs (NM_001407648.1, NM_001407664.1, NM_001407665.1 and 19 more transcripts); c.1964dup, p.Glu657fs (NM_001407649.1, NM_001407670.1, NM_001407671.1 and 11 more transcripts); c.2090dup, p.Glu699fs (NM_001407652.1, NM_001407684.1, NM_001407854.1 and 30 more transcripts); c.2012dup, p.Glu673fs (NM_001407653.1, NM_001407654.1, NM_001407655.1 and 4 more transcripts); c.2009dup, p.Glu672fs (NM_001407659.1, NM_001407660.1, NM_001407661.1 and 1 more transcripts); and 43 more; short protein forms E652fs, E699fs, E531fs, E610fs, E587fs, E588fs, E611fs, E629fs.
Identifiers: ClinVar variation 266217 (VCV000266217.18), dbSNP rs886039996, ClinGen allele CA10589894.

ClinVar aggregate classification (germline): Pathogenic. Review status: reviewed by expert panel (3 of 4 stars). 7 submissions from 7 submitters: Pathogenic (1). 6 of the submissions do not count toward it. Last evaluated 2016-10-18.

Conditions:
Hereditary cancer-predisposing syndrome. Also called: Hereditary Cancer Syndrome; Neoplastic Syndromes, Hereditary; Hereditary neoplastic syndrome; Tumor predisposition. Identifiers: Orphanet 140162, MedGen C0027672, MeSH D009386, MONDO:0015356.
Hereditary breast ovarian cancer syndrome. Also called: Hereditary breast and ovarian cancer syndrome (HBOC); Breast and ovarian cancer; Hereditary breast and ovarian cancer syndrome; Hereditary breast and ovarian cancer; BRCA1- and BRCA2-Associated Hereditary Breast and Ovarian Cancer; Hereditary breast and/or ovarian cancer syndrome. Identifiers: Orphanet 145, MedGen C0677776, MeSH D061325, MONDO:0003582. Disease mechanism: loss of function.
Breast-ovarian cancer, familial, susceptibility to, 1 (BROVCA1). Also called: BRCA1 Hereditary Breast and Ovarian Cancer; OVARIAN CANCER, SUSCEPTIBILITY TO. Identifiers: Orphanet 145, MedGen C2676676, MONDO:0011450, OMIM 604370. Disease mechanism: loss of function.

Submissions (7):

Evidence-based Network for the Interpretation of Germline Mutant Alleles (ENIGMA)
Classification: Pathogenic for Breast-ovarian cancer, familial, susceptibility to, 1. Last evaluated: 2016-10-18. Review status: reviewed by expert panel. Criteria: ENIGMA BRCA1/2 Classification Criteria (2015). Collection method: curation. Allele origin: germline.
Comment: Variant allele predicted to encode a truncated non-functional protein.

Ambry Genetics
Classification: Pathogenic for Hereditary cancer-predisposing syndrome. Last evaluated: 2025-01-23. Review status: criteria provided, single submitter. Criteria: Ambry Variant Classification Scheme 2023. Collection method: clinical testing. Allele origin: germline. Not counted in ClinVar's aggregate classification.
Comment: The c.2090dupT pathogenic mutation, located in coding exon 9 of the BRCA1 gene, results from a duplication of T at nucleotide position 2090, causing a translational frameshift with a predicted alternate stop codon (p.E699Rfs*13). This alteration was identified in an individual diagnosed with breast cancer (Tung N et al. Cancer, 2015 Jan;121:25-33) and in a large, worldwide study of BRCA1/2 mutation positive families (Rebbeck TR et al. Hum. Mutat., 2018 05;39:593-620). In addition to the clinical data presented in the literature, this alteration is expected to result in loss of function by premature protein truncation or nonsense-mediated mRNA decay. As such, this alteration is interpreted as a disease-causing mutation.

All of Us Research Program, National Institutes of Health
Classification: Pathogenic for Breast-ovarian cancer, familial, susceptibility to, 1. Last evaluated: 2023-12-13. Review status: criteria provided, single submitter. Criteria: ACMG Guidelines, 2015. Collection method: clinical testing. Allele origin: germline. Inheritance: Autosomal dominant inheritance. Observed: 1 variant allele, 1 heterozygote. Not counted in ClinVar's aggregate classification.
Comment: This variant inserts 1 nucleotide in exon 10 of the BRCA1 gene, creating a frameshift and premature translation stop signal. This variant is expected to result in an absent or non-functional protein product. This variant has been reported in an individual affected with breast cancer (PMID: 25186627) and has been identified in 2 families among the CIMBA participants (PMID: 29446198). This variant has not been identified in the general population by the Genome Aggregation Database (gnomAD). Loss of BRCA1 function is a known mechanism of disease. Based on the available evidence, this variant is classified as Pathogenic.

This study involves interpretation of variants in research participants for the purpose of population health screening. Participant phenotype was not available at the time of variant classification. Additional details can be found in publication PMID: 35346344, PMCID: PMC8962531

Color Diagnostics, LLC DBA Color Health
Classification: Pathogenic for Hereditary cancer-predisposing syndrome. Last evaluated: 2023-10-18. Review status: criteria provided, single submitter. Criteria: ACMG Guidelines, 2015. Collection method: clinical testing. Allele origin: germline. Not counted in ClinVar's aggregate classification.
Comment: This variant inserts 1 nucleotide in exon 10 of the BRCA1 gene, creating a frameshift and premature translation stop signal. This variant is expected to result in an absent or non-functional protein product. This variant has been reported in an individual affected with breast cancer (PMID: 25186627) and has been identified in 2 families among the CIMBA participants (PMID: 29446198). This variant has not been identified in the general population by the Genome Aggregation Database (gnomAD). Loss of BRCA1 function is a known mechanism of disease. Based on the available evidence, this variant is classified as Pathogenic.

Labcorp Genetics (formerly Invitae), Labcorp
Classification: Pathogenic for Hereditary breast ovarian cancer syndrome. Last evaluated: 2023-09-30. Review status: criteria provided, single submitter. Criteria: Invitae Variant Classification Sherloc (09022015). Collection method: clinical testing. Allele origin: germline. Not counted in ClinVar's aggregate classification.
Comment: This sequence change creates a premature translational stop signal (p.Glu699Argfs*13) in the BRCA1 gene. It is expected to result in an absent or disrupted protein product. Loss-of-function variants in BRCA1 are known to be pathogenic (PMID: 20104584). This variant is not present in population databases (gnomAD no frequency). This premature translational stop signal has been observed in individual(s) with breast cancer (PMID: 25186627). ClinVar contains an entry for this variant (Variation ID: 266217). For these reasons, this variant has been classified as Pathogenic.

Quest Diagnostics Nichols Institute San Juan Capistrano
Classification: Pathogenic. Last evaluated: 2023-01-31. Review status: criteria provided, single submitter. Criteria: Quest Diagnostics criteria. Collection method: clinical testing. Allele origin: unknown. Not counted in ClinVar's aggregate classification.
Comment: This frameshift variant alters the translational reading frame of the BRCA1 mRNA and causes the premature termination of BRCA1 protein synthesis. This variant has not been reported in large, multi-ethnic general populations. In the published literature, the variant has been reported in an individual with breast cancer (PMID: 25186627 (2015)). It was also reported in a large study on BRCA1 and BRCA2 variants found in families (PMID: 29446198 (2018)). Based on the available information, this variant is classified as pathogenic.

Consortium of Investigators of Modifiers of BRCA1/2 (CIMBA), c/o University of Cambridge
Classification: Pathogenic for Breast-ovarian cancer, familial, susceptibility to, 1. Last evaluated: 2015-10-02. Review status: criteria provided, single submitter. Criteria: CIMBA Mutation Classification guidelines May 2016. Collection method: clinical testing. Allele origin: germline. Not counted in ClinVar's aggregate classification.

Literature cited by the submitters: PubMed 25186627 (cited by 5 submitters); PubMed 29446198 (cited by 4 submitters); PubMed 20104584 (cited by Labcorp Genetics (formerly Invitae), Labcorp).